The following is an entry in ClinVar:

ClinVar aggregate classification (germline): Conflicting classifications of pathogenicity. Review status: criteria provided, conflicting classifications (1 of 4 stars). 3 submissions from 3 submitters: Uncertain significance (2); Likely benign (1). Last evaluated 2026-01-15.

Conditions:
Inborn genetic diseases. Identifiers: MedGen C0950123, MeSH D030342.
Erythrocytosis, familial, 4 (ECYT4). Identifiers: Orphanet 247511, MedGen C2673187, MONDO:0012729, OMIM 611783.

Allele frequency attached by ClinVar (database versions not stated): ExAC 0.00007; ESP Exome Variant Server 0.00008; gnomAD 0.00015; 1000 Genomes Project 30x 0.00016; gnomAD exomes 0.00005; TOPMed 0.00015; 1000 Genomes Project 0.00020.
gnomAD v4.1: 99 of 1,614,144 alleles (0.0061%); highest among the groups gnomAD compares: Admixed American, 0.077%; no homozygotes.

Submissions (3):

Labcorp Genetics (formerly Invitae), Labcorp
Classification: Uncertain significance. Last evaluated: 2026-01-15. Review status: criteria provided, single submitter. Criteria: Invitae Variant Classification Sherloc (09022015). Collection method: clinical testing. Allele origin: germline.
Comment: This sequence change replaces proline, which is neutral and non-polar, with leucine, which is neutral and non-polar, at codon 781 of the EPAS1 protein (p.Pro781Leu). This variant is present in population databases (rs199997193, gnomAD 0.03%). This variant has not been reported in the literature in individuals affected with EPAS1-related conditions. ClinVar contains an entry for this variant (Variation ID: 1789887). An algorithm developed to predict the effect of missense changes on protein structure and function outputs the following: PolyPhen-2: "Benign". The leucine amino acid residue is found in multiple mammalian species, which suggests that this missense change does not adversely affect protein function. In summary, the available evidence is currently insufficient to determine the role of this variant in disease. Therefore, it has been classified as a Variant of Uncertain Significance.

Ambry Genetics
Classification: Likely benign for Inborn genetic diseases. Last evaluated: 2022-10-12. Review status: criteria provided, single submitter. Criteria: Ambry Variant Classification Scheme 2023. Collection method: clinical testing. Allele origin: germline.

Revvity Omics, Revvity
Classification: Uncertain significance for Erythrocytosis, familial, 4. Last evaluated: 2019-06-07. Review status: criteria provided, single submitter. Criteria: ACMG Guidelines, 2015. Collection method: clinical testing. Allele origin: germline.

NM_001430.5(EPAS1):c.2342C>T (p.Pro781Leu)

Gene: EPAS1 (endothelial PAS domain protein 1; plus strand). Cytogenetic location: 2p21.
Variant type: single nucleotide variant.
Coding change: c.2342C>T on transcript NM_001430.5 (MANE Select); coding-DNA position 2342, C replaced by T.
Protein change: p.Pro781Leu; replaces proline 781 with leucine.
Molecular consequence: missense variant.
Genome position (GRCh38, 1-based): chr2:46,382,479, C>T. VCF-style: chr2-46382479-C-T. GRCh37 (hg19) VCF-style: chr2-46609618-C-T.
Other names: short protein forms P781L.
Identifiers: ClinVar variation 1789887 (VCV001789887.7), dbSNP rs199997193, ClinGen allele CA1645318.